The following is an entry in ClinVar:

ClinVar aggregate classification (germline): Uncertain significance (1 of 4 stars; one submission).

Conditions:
Hereditary cancer-predisposing syndrome. Also called: Neoplastic Syndromes, Hereditary; Tumor predisposition; Hereditary neoplastic syndrome; Hereditary Cancer Syndrome. Identifiers: Orphanet 140162, MedGen C0027672, MeSH D009386, MONDO:0015356.

Submission:

Ambry Genetics
Classification: Uncertain significance for Hereditary cancer-predisposing syndrome. Last evaluated: 2023-02-17. Review status: criteria provided, single submitter. Criteria: Ambry Variant Classification Scheme 2023. Collection method: clinical testing. Allele origin: germline.
Comment: The p.L1511I variant (also known as c.4531C>A), located in coding exon 15 of the APC gene, results from a C to A substitution at nucleotide position 4531. The leucine at codon 1511 is replaced by isoleucine, an amino acid with highly similar properties. This amino acid position is conserved. In addition, in silico predictors for this gene do not accurately predict pathogenicity. Since supporting evidence is limited at this time, the clinical significance of this alteration remains unclear.

NM_000038.6(APC):c.4531C>A (p.Leu1511Ile)

Gene: APC (APC regulator of Wnt signaling pathway; plus strand). Cytogenetic location: 5q22.2.
Variant type: single nucleotide variant.
Coding change: c.4531C>A on transcript NM_000038.6 (MANE Select); coding-DNA position 4531, C replaced by A.
Protein change: p.Leu1511Ile; replaces leucine 1511 with isoleucine.
Molecular consequence: missense variant. On other transcripts: non-coding transcript variant (2).
Genome position (GRCh38, 1-based): chr5:112,840,125, C>A. VCF-style: chr5-112840125-C-A. GRCh37 (hg19) VCF-style: chr5-112175822-C-A.
Other names: c.4531C>A, p.Leu1511Ile (NM_001127510.3, NM_001354895.2, NM_001407450.1); c.4477C>A, p.Leu1493Ile (NM_001127511.3); c.4585C>A, p.Leu1529Ile (NM_001354896.2, NM_001407447.1, NM_001407448.1 and 1 more transcripts); c.4561C>A, p.Leu1521Ile (NM_001354897.2); c.4456C>A, p.Leu1486Ile (NM_001354898.2); c.4447C>A, p.Leu1483Ile (NM_001354899.2); c.4408C>A, p.Leu1470Ile (NM_001354900.2); c.4354C>A, p.Leu1452Ile (NM_001354901.2, NM_001407453.1); and 11 more; short protein forms L1351I, L1410I, L1420I, L1428I, L1483I, L1511I, L1382I, L1470I.
Identifiers: ClinVar variation 2452743 (VCV002452743.2), dbSNP rs749224104, ClinGen allele CA16031244.